The following is an entry in ClinVar:

NM_130384.3(ATRIP):c.804A>T (p.Gly268=)

Genes: ATRIP (ATR interacting protein; plus strand), ATRIP-TREX1 (ATRIP-TREX1 readthrough; plus strand). Cytogenetic location: 3p21.31.
Variant type: single nucleotide variant.
Coding change: c.804A>T on transcript NM_130384.3 (MANE Select); coding-DNA position 804, A replaced by T.
Protein change: p.Gly268=; no amino-acid change (glycine 268 retained).
Molecular consequence: synonymous variant. On other transcripts: non-coding transcript variant (1).
Genome position (GRCh38, 1-based): chr3:48,457,391, A>T. VCF-style: chr3-48457391-A-T. GRCh37 (hg19) VCF-style: chr3-48498791-A-T.
Other names: c.423A>T, p.Gly141= (NM_001271022.2); c.525A>T, p.Gly175= (NM_001271023.2); c.804A>T, p.Gly268= (NM_032166.4).
Identifiers: ClinVar variation 3809303 (VCV003809303.1).

ClinVar aggregate classification (germline): Uncertain significance (1 of 4 stars; one submission).

gnomAD v4.1: 7 of 1,593,482 alleles (0.00044%); highest among the groups gnomAD compares: East Asian, 0.0069%; no homozygotes.

Submission:

Ambry Genetics
Classification: Uncertain significance. Last evaluated: 2025-02-28. Review status: criteria provided, single submitter. Criteria: Ambry Variant Classification Scheme 2023. Collection method: clinical testing. Allele origin: germline.
Comment: The c.804A>T variant (also known as p.G268G), located in coding exon 5 of the ATRIP gene, results from an A to T substitution at nucleotide position 804. This nucleotide substitution does not change the glycine at codon 268. This nucleotide position is not well conserved in available vertebrate species. In silico splice site analysis for this alteration is inconclusive. The evidence for this gene-disease relationship is limited; therefore, the clinical significance of this alteration is unclear.